The following is an entry in ClinVar:

NM_172107.4(KCNQ2):c.650C>T (p.Thr217Ile)

Gene: KCNQ2 (potassium voltage-gated channel subfamily Q member 2; minus strand). Cytogenetic location: 20q13.33.
Variant type: single nucleotide variant.
Coding change: c.650C>T on transcript NM_172107.4 (MANE Select); coding-DNA position 650, C replaced by T.
Protein change: p.Thr217Ile; replaces threonine 217 with isoleucine.
Molecular consequence: missense variant.
Genome position (GRCh38, 1-based): chr20:63,444,699, G>A on the plus strand (C>T on the coding strand, the complement: KCNQ2 is on the minus strand). VCF-style: chr20-63444699-G-A. GRCh37 (hg19) VCF-style: chr20-62076052-G-A.
Other names: c.650C>T, p.Thr217Ile (NM_004518.6, NM_172106.3, NM_172108.5 and 1 more transcripts); short protein forms T217I.
Identifiers: ClinVar variation 813779 (VCV000813779.17), dbSNP rs1057516090, ClinGen allele CA409654718.

ClinVar aggregate classification (germline): Pathogenic/Likely pathogenic. Review status: criteria provided, multiple submitters, no conflicts (2 of 4 stars). 3 submissions from 3 submitters: Pathogenic (1); Likely pathogenic (2). Last evaluated 2022-11-29.

Conditions:
Seizures, benign familial neonatal, 1. Also called: Seizures, benign neonatal, 1; KCNQ2-Related Self-Limited Familial Neonatal Epilepsy (SLFNE); Benign Neonatal Epilepsy 1; KCNQ2-Related Benign Familial Neonatal Epilepsy. Identifiers: Orphanet 1949, MedGen C3149074, MONDO:0007365, OMIM 121200.
Developmental and epileptic encephalopathy, 7 (DEE7). Also called: KCNQ2-Related Neonatal-Onset Developmental and Epileptic Encephalopathy (NEO-DEE); Early infantile epileptic encephalopathy 7; KCNQ2-Related Neonatal Epileptic Encephalopathy. Identifiers: Orphanet 439218, MedGen C3150986, MONDO:0013387, OMIM 613720.
Early-infantile DEE. Also called: Ohtahara syndrome; Early infantile epileptic encephalopathy; Early infantile epileptic encephalopathy with suppression bursts. Identifiers: Orphanet 1934, MedGen C0393706, MONDO:0800491.

Submissions (3):

Labcorp Genetics (formerly Invitae), Labcorp
Classification: Pathogenic for Early-infantile DEE. Last evaluated: 2022-11-29. Review status: criteria provided, single submitter. Criteria: Invitae Variant Classification Sherloc (09022015). Collection method: clinical testing. Allele origin: germline.
Comment: This variant disrupts the p.Thr217 amino acid residue in KCNQ2. Other variant(s) that disrupt this residue have been determined to be pathogenic (PMID: 23621294). This suggests that this residue is clinically significant, and that variants that disrupt this residue are likely to be disease-causing. For these reasons, this variant has been classified as Pathogenic. Advanced modeling of protein sequence and biophysical properties (such as structural, functional, and spatial information, amino acid conservation, physicochemical variation, residue mobility, and thermodynamic stability) performed at Invitae indicates that this missense variant is expected to disrupt KCNQ2 protein function. This variant is not present in population databases (gnomAD no frequency). This sequence change replaces threonine, which is neutral and polar, with isoleucine, which is neutral and non-polar, at codon 217 of the KCNQ2 protein (p.Thr217Ile). This missense change has been observed in individual(s) with KCNQ2-related conditions (PMID: 34711204). In at least one individual the variant was observed to be de novo. ClinVar contains an entry for this variant (Variation ID: 813779).

Center for Molecular Medicine, Children’s Hospital of Fudan University
Classification: Likely pathogenic for Seizures, benign familial neonatal, 1; Developmental and epileptic encephalopathy, 7. Last evaluated: 2021-11-01. Review status: criteria provided, single submitter. Criteria: ACMG Guidelines, 2015. Collection method: clinical testing. Allele origin: de novo, unknown. Affected: yes.

Cytogénomique, Hospices Civils de Lyon
Classification: Likely pathogenic for Developmental and epileptic encephalopathy, 7. Last evaluated: 2017-11-08. Review status: criteria provided, single submitter. Criteria: ACMG Guidelines, 2015. Collection method: clinical testing. Allele origin: de novo. Inheritance: Autosomal dominant inheritance. Affected: yes.

Literature cited by the submitters: PubMed 23621294 (cited by Labcorp Genetics (formerly Invitae), Labcorp); PubMed 34711204 (cited by Labcorp Genetics (formerly Invitae), Labcorp).